The following is an entry in ClinVar:

NM_018255.4(ELP2):c.656-3T>C

Gene: ELP2 (elongator acetyltransferase complex subunit 2; plus strand). Cytogenetic location: 18q12.2.
Variant type: single nucleotide variant.
Coding change: c.656-3T>C on transcript NM_018255.4 (MANE Select); 3 bases into the intron before coding-DNA position 656, T replaced by C.
Molecular consequence: intron variant.
Genome position (GRCh38, 1-based): chr18:36,142,823, T>C. VCF-style: chr18-36142823-T-C. GRCh37 (hg19) VCF-style: chr18-33722786-T-C.
Other names: c.851-3T>C (NM_001242875.3); c.656-3T>C (NM_001324467.2, NM_001324465.2); c.773-3T>C (NM_001324466.2, NM_001242876.3); c.578-3T>C (NM_001242877.3, NM_001242878.3); c.446-3T>C (NM_001242879.3); c.209-3T>C (NM_001324468.2).
Identifiers: ClinVar variation 2305022 (VCV002305022.2), dbSNP rs777717947, ClinGen allele CA8939705.

ClinVar aggregate classification (germline): Uncertain significance (1 of 4 stars; one submission).

Conditions:
Inborn genetic diseases. Identifiers: MedGen C0950123, MeSH D030342.

Allele frequency attached by ClinVar (database versions not stated): gnomAD 0.00001; gnomAD exomes 0.00002; ExAC 0.00006; 1000 Genomes Project 30x 0.00031.
gnomAD v4.1: 34 of 1,587,256 alleles (0.0021%); highest among the groups gnomAD compares: South Asian, 0.036%; no homozygotes.

Submission:

Ambry Genetics
Classification: Uncertain significance for Inborn genetic diseases. Last evaluated: 2022-09-15. Review status: criteria provided, single submitter. Criteria: Ambry Variant Classification Scheme 2023. Collection method: clinical testing. Allele origin: germline.
Comment: The c.851-3T>C intronic alteration consists of a T to C substitution 3 nucleotides before exon 9 of the ELP2 gene. Based on insufficient or conflicting evidence, the clinical significance of this alteration remains unclear.